The following is an entry in ClinVar:

ClinVar aggregate classification (germline): Uncertain significance (1 of 4 stars; one submission).

Conditions:
Hereditary cancer-predisposing syndrome. Also called: Neoplastic Syndromes, Hereditary; Tumor predisposition; Hereditary Cancer Syndrome; Hereditary neoplastic syndrome. Identifiers: Orphanet 140162, MedGen C0027672, MeSH D009386, MONDO:0015356.

Submission:

Color Diagnostics, LLC DBA Color Health
Classification: Uncertain significance for Hereditary cancer-predisposing syndrome. Last evaluated: 2023-12-04. Review status: criteria provided, single submitter. Criteria: ACMG Guidelines, 2015. Collection method: clinical testing. Allele origin: germline.
Comment: This missense variant replaces arginine with leucine at codon 43 of the CDH1 protein. Splice site prediction tools suggest that this variant may not impact RNA splicing. To our knowledge, functional studies have not been reported for this variant. This variant has not been reported in individuals affected with hereditary cancer in the literature. This variant has not been identified in the general population by the Genome Aggregation Database (gnomAD). The available evidence is insufficient to determine the role of this variant in disease conclusively. Therefore, this variant is classified as a Variant of Uncertain Significance.

NM_004360.5(CDH1):c.128G>T (p.Arg43Leu)

Gene: CDH1 (cadherin 1; plus strand). Cytogenetic location: 16q22.1.
Variant type: single nucleotide variant.
Coding change: c.128G>T on transcript NM_004360.5 (MANE Select); coding-DNA position 128, G replaced by T.
Protein change: p.Arg43Leu; replaces arginine 43 with leucine.
Molecular consequence: missense variant. On other transcripts: 5 prime UTR variant (2).
Genome position (GRCh38, 1-based): chr16:68,738,376, G>T. VCF-style: chr16-68738376-G-T. GRCh37 (hg19) VCF-style: chr16-68772279-G-T.
Other names: c.128G>T, p.Arg43Leu (NM_001317184.2); c.-1488G>T (NM_001317185.2); c.-1692G>T (NM_001317186.2); short protein forms R43L.
Identifiers: ClinVar variation 925885 (VCV000925885.5), dbSNP rs1962461060, ClinGen allele CA396452156.